The following is an entry in ClinVar:

NC_012920.1(MT-CYB):m.15567T>C

Gene: MT-CYB (mitochondrially encoded cytochrome b; plus strand).
Variant type: single nucleotide variant.
Genome position: chrM-15567-T-C.
Identifiers: ClinVar variation 693907 (VCV000693907.1), dbSNP rs1603225354, ClinGen allele CA913174228.

ClinVar aggregate classification (germline): Uncertain significance (1 of 4 stars; one submission).

Conditions:
Leigh syndrome (NULS). Also called: Leigh's necrotizing encephalopathy; Leigh's disease; Leigh's syndrome; LEIGH SYNDROME, NUCLEAR; Leigh Syndrome (mtDNA deletion); Leigh Disease. Identifiers: Orphanet 506, MedGen C2931891, MONDO:0009723, OMIM 256000.

Submission:

Wong Mito Lab, Molecular and Human Genetics, Baylor College of Medicine
Classification: Uncertain significance for Leigh syndrome. Last evaluated: 2019-10-17. Review status: criteria provided, single submitter. Criteria: Modified ACMG Guidelines (Unpublished). Collection method: clinical testing. Allele origin: germline.
Comment: The NC_012920.1:m.15567T>C (YP_003024038.1:p.Phe274Ser) variant in MTCYB gene is interpretated to be a Uncertain Significance variant based on the modified ACMG guidelines (unpublished). This variant meets the following evidence codes: PP7